The following is an entry in ClinVar:

NM_015164.4(PLEKHM2):c.2784G>A (p.Pro928=)

Gene: PLEKHM2 (pleckstrin homology and RUN domain containing M2; plus strand). Cytogenetic location: 1p36.21.
Variant type: single nucleotide variant.
Coding change: c.2784G>A on transcript NM_015164.4 (MANE Select); coding-DNA position 2784, G replaced by A.
Protein change: p.Pro928=; no amino-acid change (proline 928 retained).
Molecular consequence: synonymous variant.
Genome position (GRCh38, 1-based): chr1:15,732,508, G>A. VCF-style: chr1-15732508-G-A. GRCh37 (hg19) VCF-style: chr1-16059003-G-A.
Other names: c.2724G>A, p.Pro908= (NM_001410755.1).
Identifiers: ClinVar variation 1906246 (VCV001906246.6), dbSNP rs780612376, ClinGen allele CA617348.

ClinVar aggregate classification (germline): Conflicting classifications of pathogenicity. Review status: criteria provided, conflicting classifications (1 of 4 stars). 2 submissions from 2 submitters: Uncertain significance (1); Likely benign (1). Last evaluated 2024-03-28.

Allele frequency attached by ClinVar (database versions not stated): TOPMed 0.00001; gnomAD 0.00003; gnomAD exomes 0.00003; ExAC 0.00006; 1000 Genomes Project 30x 0.00016.
gnomAD v4.1: 43 of 1,609,516 alleles (0.0027%); highest among the groups gnomAD compares: East Asian, 0.0045%; no homozygotes.

Submissions (2):

Blueprint Genetics
Classification: Likely benign. Last evaluated: 2024-03-28. Review status: criteria provided, single submitter. Criteria: ACMG Guidelines, 2015. Collection method: clinical testing. Allele origin: germline.

Labcorp Genetics (formerly Invitae), Labcorp
Classification: Uncertain significance. Last evaluated: 2022-06-03. Review status: criteria provided, single submitter. Criteria: Invitae Variant Classification Sherloc (09022015). Collection method: clinical testing. Allele origin: germline.
Comment: This sequence change affects codon 928 of the PLEKHM2 mRNA. It is a 'silent' change, meaning that it does not change the encoded amino acid sequence of the PLEKHM2 protein. This variant is present in population databases (rs780612376, gnomAD 0.04%). This variant has not been reported in the literature in individuals affected with PLEKHM2-related conditions. Algorithms developed to predict the effect of sequence changes on RNA splicing suggest that this variant may create or strengthen a splice site. In summary, the available evidence is currently insufficient to determine the role of this variant in disease. Therefore, it has been classified as a Variant of Uncertain Significance.